The following is an entry in ClinVar:

ClinVar aggregate classification (germline): Pathogenic (1 of 4 stars; one submission).

Submission:

Labcorp Genetics (formerly Invitae), Labcorp
Classification: Pathogenic. Last evaluated: 2022-10-31. Review status: criteria provided, single submitter. Criteria: Invitae Variant Classification Sherloc (09022015). Collection method: clinical testing. Allele origin: germline.
Comment: For these reasons, this variant has been classified as Pathogenic. This variant has not been reported in the literature in individuals affected with NFKB1-related conditions. This variant is not present in population databases (gnomAD no frequency). This sequence change creates a premature translational stop signal (p.Gln595Alafs*23) in the NFKB1 gene. It is expected to result in an absent or disrupted protein product. Loss-of-function variants in NFKB1 are known to be pathogenic (PMID: 26279205, 29477724).

Literature cited by the submitters: PubMed 26279205; PubMed 29477724.

NM_003998.4(NFKB1):c.1781dup (p.Gln595fs)

Gene: NFKB1 (nuclear factor kappa B subunit 1; plus strand). Cytogenetic location: 4q24.
Variant type: Duplication.
Coding change: c.1781dup on transcript NM_003998.4 (MANE Select); coding-DNA position 1781, one base duplicated (A; older notation c.1781dupA).
Protein change: p.Gln595fs; shifts the reading frame from glutamine 595.
Molecular consequence: frameshift variant.
Genome position (GRCh38, 1-based): chr4:102,606,524, A duplicated; the last of 2 consecutive A bases (chr4:102,606,523-102,606,524); duplicating either gives the same sequence. VCF-style (leftmost placement, unchanged base first): chr4-102606522-T-TA. GRCh37 (hg19) VCF-style: chr4-103527679-T-TA.
Other names: c.1778dup, p.Gln594fs (NM_001165412.2, NM_001319226.2, NM_001382627.1); c.1781dup, p.Gln595fs (NM_001382625.1, NM_001382626.1); c.1739dup, p.Gln581fs (NM_001382628.1); short protein forms Q581fs, Q595fs, Q594fs.
Identifiers: ClinVar variation 2032294 (VCV002032294.4), dbSNP rs1302123106, ClinGen allele CA784573925.
Genomic context (GRCh38, chr4:102,606,522, plus strand): 5'-TGACCAGTGAATCTCCTGCCCTTTCACTTTCCAGACGCCCTTGCACTTGGCAGTGATCAC[T>TA]AAGCAGGAAGATGTGGTGGAGGATTTGCTGAGGGCTGGGGCCGACCTGAGCCTTCTGGAC-3'